The following is an entry in ClinVar:

ClinVar aggregate classification (germline): Likely benign. Review status: criteria provided, single submitter (1 of 4 stars). 2 submissions from 2 submitters: Likely benign (1). 1 of the submissions does not count toward it. Last evaluated 2024-09-27.

Conditions:
ASXL2-related disorder. Also called: ASXL2-related condition.

Allele frequency attached by ClinVar (database versions not stated): gnomAD 0.00001; gnomAD exomes 0.00001; TOPMed 0.00002.
gnomAD v4.1: 20 of 1,613,872 alleles (0.0012%); highest among the groups gnomAD compares: Non-Finnish European, 0.0015%; no homozygotes.

Submissions (2):

Labcorp Genetics (formerly Invitae), Labcorp
Classification: Likely benign. Last evaluated: 2024-09-27. Review status: criteria provided, single submitter. Criteria: Invitae Variant Classification Sherloc (09022015). Collection method: clinical testing. Allele origin: germline.

PreventionGenetics, part of Exact Sciences
Classification: Likely benign for ASXL2-related condition. Last evaluated: 2020-05-19. Review status: no assertion criteria provided. Collection method: clinical testing. Allele origin: germline. Not counted in ClinVar's aggregate classification.
Comment: This variant is classified as likely benign based on ACMG/AMP sequence variant interpretation guidelines (Richards et al. 2015 PMID: 25741868, with internal and published modifications).

NM_018263.6(ASXL2):c.3747G>C (p.Leu1249=)

Gene: ASXL2 (ASXL transcriptional regulator 2; minus strand). Cytogenetic location: 2p23.3.
Variant type: single nucleotide variant.
Coding change: c.3747G>C on transcript NM_018263.6 (MANE Select); coding-DNA position 3747, G replaced by C.
Protein change: p.Leu1249=; no amino-acid change (leucine 1249 retained).
Molecular consequence: synonymous variant.
Genome position (GRCh38, 1-based): chr2:25,742,590, C>G on the plus strand (G>C on the coding strand, the complement: ASXL2 is on the minus strand). VCF-style: chr2-25742590-C-G. GRCh37 (hg19) VCF-style: chr2-25965459-C-G.
Other names: c.3573G>C, p.Leu1191= (NM_001369346.1); c.2967G>C, p.Leu989= (NM_001369347.1).
Identifiers: ClinVar variation 3055042 (VCV003055042.4), dbSNP rs1156706109, ClinGen allele CA425353763.